The following is an entry in ClinVar:

NM_005559.4(LAMA1):c.9022A>G (p.Thr3008Ala)

Gene: LAMA1 (laminin subunit alpha 1; minus strand). Cytogenetic location: 18p11.31.
Variant type: single nucleotide variant.
Coding change: c.9022A>G on transcript NM_005559.4 (MANE Select); coding-DNA position 9022, A replaced by G.
Protein change: p.Thr3008Ala; replaces threonine 3008 with alanine.
Molecular consequence: missense variant.
Genome position (GRCh38, 1-based): chr18:6,943,225, T>C on the plus strand (A>G on the coding strand, the complement: LAMA1 is on the minus strand). VCF-style: chr18-6943225-T-C. GRCh37 (hg19) VCF-style: chr18-6943224-T-C.
Other names: short protein forms T3008A.
Identifiers: ClinVar variation 5037609 (VCV005037609.1).

ClinVar aggregate classification (germline): Uncertain significance (1 of 4 stars; one submission).

Submission:

GeneDx
Classification: Uncertain significance. Last evaluated: 2026-04-23. Review status: criteria provided, single submitter. Criteria: GeneDx Variant Classification Process June 2021. Collection method: clinical testing. Allele origin: germline.
Comment: Not observed at significant frequency in large population cohorts (gnomAD); In silico analysis supports that this missense variant has a deleterious effect on protein structure/function; Has not been previously published as pathogenic or benign to our knowledge